The following is an entry in ClinVar:

NM_001851.6(COL9A1):c.79C>T (p.Arg27Cys)

Gene: COL9A1 (collagen type IX alpha 1 chain; minus strand). Cytogenetic location: 6q13.
Variant type: single nucleotide variant.
Coding change: c.79C>T on transcript NM_001851.6 (MANE Select); coding-DNA position 79, C replaced by T.
Protein change: p.Arg27Cys; replaces arginine 27 with cysteine.
Molecular consequence: missense variant.
Genome position (GRCh38, 1-based): chr6:70,302,010, G>A on the plus strand (C>T on the coding strand, the complement: COL9A1 is on the minus strand). VCF-style: chr6-70302010-G-A. GRCh37 (hg19) VCF-style: chr6-71011713-G-A.
Other names: c.79C>T, p.Arg27Cys (NM_001377291.1); short protein forms R27C.
Identifiers: ClinVar variation 1517895 (VCV001517895.6), dbSNP rs746534856, ClinGen allele CA364675928.

ClinVar aggregate classification (germline): Uncertain significance (1 of 4 stars; one submission).

Allele frequency attached by ClinVar (database versions not stated): gnomAD exomes below 0.00001 and 0.00001.
gnomAD v4.1: 8 of 1,610,520 alleles (0.0005%); highest among the groups gnomAD compares: East Asian, 0.0067%; no homozygotes.

Submission:

Labcorp Genetics (formerly Invitae), Labcorp
Classification: Uncertain significance. Last evaluated: 2022-12-02. Review status: criteria provided, single submitter. Criteria: Invitae Variant Classification Sherloc (09022015). Collection method: clinical testing. Allele origin: germline.
Comment: In summary, the available evidence is currently insufficient to determine the role of this variant in disease. Therefore, it has been classified as a Variant of Uncertain Significance. Advanced modeling of protein sequence and biophysical properties (such as structural, functional, and spatial information, amino acid conservation, physicochemical variation, residue mobility, and thermodynamic stability) performed at Invitae indicates that this missense variant is not expected to disrupt COL9A1 protein function. ClinVar contains an entry for this variant (Variation ID: 1517895). This variant has not been reported in the literature in individuals affected with COL9A1-related conditions. The frequency data for this variant in the population databases is considered unreliable, as metrics indicate poor data quality at this position in the gnomAD database. This sequence change replaces arginine, which is basic and polar, with cysteine, which is neutral and slightly polar, at codon 27 of the COL9A1 protein (p.Arg27Cys).